The following is an entry in ClinVar:

ClinVar aggregate classification (germline): Likely benign (1 of 4 stars; one submission).

Conditions:
PSAP-related disorder. Also called: PSAP-related condition.

gnomAD v4.1: 1,499 of 1,613,684 alleles (0.093%); highest among the groups gnomAD compares: Non-Finnish European, 0.11%; 1 homozygote.

Submission:

PreventionGenetics, part of Exact Sciences
Classification: Likely benign for PSAP-related condition. Last evaluated: 2025-05-22. Review status: criteria provided, single submitter. Criteria: ACMG Guidelines, 2015. Collection method: clinical testing. Allele origin: germline.
Comment: This variant is classified as likely benign based on ACMG/AMP sequence variant interpretation guidelines (Richards et al. 2015 PMID: 25741868, with internal and published modifications).

NC_000010.11:g.71812637A>G

Genes: CDH23 (cadherin related 23; plus strand), PSAP (prosaposin; minus strand). Cytogenetic location: 10q22.1.
Variant type: single nucleotide variant.
Molecular consequence: intron variant (on NM_022124.6).
Genome position: GRCh38 VCF-style: chr10-71812637-A-G. GRCh37 (hg19) VCF-style: chr10-73572394-A-G.
Other names: c.9510+28A>G (NM_022124.6); c.2790+28A>G (NM_001171933.1, NM_001171934.1); c.201+28A>G (NM_001171935.1, NM_001171936.1).
Identifiers: ClinVar variation 4981627 (VCV004981627.1).
Genomic context (GRCh38, chr10:71,812,637, plus strand): 5'-GCCGACCTGTGGAACAGCCCCACGCGCACCCATGTGAGCCAGAGGCGGTCAGGCATCACA[A>G]GGGGCAGGGGTGGAGGGGCTGGGTCTTTGCAACCTCTGGCCAAGAAGCTGGGTTCTTTAA-3'